The following is an entry in ClinVar:

ClinVar aggregate classification (germline): Pathogenic (0 of 4 stars; one submission).

Conditions:
Steinert myotonic dystrophy syndrome (DM1). Also called: STEINERT DISEASE; Myotonic dystrophy type 1; Dystrophia myotonica type 1; Steinert myotonic dystrophy; Steinert's disease. Identifiers: Orphanet 273, MedGen C3250443, MONDO:0008056, OMIM 160900.

Submission:

Institute of Molecular, Cell and Systems Biology, University of Glasgow
Classification: Pathogenic for Steinert myotonic dystrophy syndrome. Review status: no assertion criteria provided. Criteria: research. Collection method: research. Allele origin: germline. Inheritance: Autosomal dominant inheritance. Affected: yes. Observed: 1 heterozygote.
Comment: DMPK CTG repeat expansions greater than approximately 45-50 repeats are assumed to be pathogenic

This record is based on data published in PubMed 25052313, which reports only ClinVar accessions SCV000120188 and SCV000120189. The complete data set includes SCV000207445 - SCV000207579.

Literature cited by the submitters: PubMed 1346923; PubMed 1546326; PubMed 25052313.

NM_004409.5(DMPK):c.*224CTG[93]

Genes: DM1-AS (DM1 locus antisense RNA; plus strand), DMPK (DM1 protein kinase; minus strand), LOC107075317 (origin of replication in DMPK trinucleotide repeat region; plus strand), LOC109461477 (dystrophia myotonica protein kinase repeat instability region; plus strand). Cytogenetic location: 19q13.32.
Variant type: Microsatellite.
Coding change: c.*224CTG[93] on transcript NM_004409.5 (MANE Select); 93 copies in a row of the 3-base unit CTG starting at c.*224.
Molecular consequence: 3 prime UTR variant.
Genome position: GRCh38, VCF-style position (the base before the change): chr19:45,770,204. GRCh37 (hg19), VCF-style position (the base before the change): chr19:46,273,462.
Other names: DM1 CTG repeat expansion; c.*224CTG[93] (NM_001081560.3, NM_001288764.2, NM_001424165.1 and 1 more transcripts); c.*217CTG[93] (NM_001081562.3, NM_001288765.2, NM_001424162.1 and 2 more transcripts); c.*222_*224TGC[93] (NM_001081563.3); c.*369CTG[93] (NM_001288766.2, NM_001424164.1, NM_001424168.1).
Identifiers: ClinVar variation 188041 (VCV000188041.2), ClinGen allele CA915951873.